The following is an entry in ClinVar:

ClinVar aggregate classification (germline): Benign. Review status: criteria provided, multiple submitters, no conflicts (2 of 4 stars). 2 submissions from 2 submitters: Benign (2). Last evaluated 2018-01-12.

Conditions:
Noonan syndrome 6 (NS6). Also called: NRAS-Related Noonan Syndrome. Identifiers: Orphanet 648, MedGen C2750732, MONDO:0013186, OMIM 613224.

Allele frequency attached by ClinVar (database versions not stated): 1000 Genomes Project 0.15096; 1000 Genomes Project 30x 0.15365; TOPMed 0.18673; gnomAD 0.20187 and 0.20324; gnomAD exomes 0.34043.
gnomAD v4.1: 30,963 of 152,480 alleles (20%); highest among the groups gnomAD compares: Non-Finnish European, 25%; 3,586 homozygotes.

Submissions (2):

Illumina Laboratory Services, Illumina
Classification: Benign for Noonan syndrome 6. Last evaluated: 2018-01-12. Review status: criteria provided, single submitter. Criteria: ICSL Variant Classification Criteria 13 December 2019. Collection method: clinical testing. Allele origin: germline.
Comment: This variant was observed in the ICSL laboratory as part of a predisposition screen in an ostensibly healthy population. It had not been previously curated by ICSL or reported in the Human Gene Mutation Database (HGMD: prior to June 1st, 2018), and was therefore a candidate for classification through an automated scoring system. Utilizing variant allele frequency, disease prevalence and penetrance estimates, and inheritance mode, an automated score was calculated to assess if this variant is too frequent to cause the disease. Based on the score and internal cut-off values, a variant classified as benign is not then subjected to further curation. The score for this variant resulted in a classification of benign for this disease.

Breakthrough Genomics
Classification: Benign. Review status: criteria provided, single submitter. Criteria: ACMG Guidelines, 2015. Collection method: not provided. Allele origin: germline. Inheritance: Autosomal dominant inheritance. Affected: yes.

NM_002524.5(NRAS):c.*872C>T

Gene: NRAS (NRAS proto-oncogene, GTPase; minus strand). Cytogenetic location: 1p13.2.
Variant type: single nucleotide variant.
Coding change: c.*872C>T on transcript NM_002524.5 (MANE Select); 872 bases downstream of the stop codon, C replaced by T.
Molecular consequence: 3 prime UTR variant.
Genome position (GRCh38, 1-based): chr1:114,707,222, G>A on the plus strand (C>T on the coding strand, the complement: NRAS is on the minus strand). VCF-style: chr1-114707222-G-A. GRCh37 (hg19) VCF-style: chr1-115249843-G-A.
Identifiers: ClinVar variation 291967 (VCV000291967.6), dbSNP rs14804, ClinGen allele CA10607690.